The following is an entry in ClinVar:

NM_003000.3(SDHB):c.283G>C (p.Glu95Gln)

Gene: SDHB (succinate dehydrogenase complex iron sulfur subunit B; minus strand). Cytogenetic location: 1p36.13.
Variant type: single nucleotide variant.
Coding change: c.283G>C on transcript NM_003000.3 (MANE Select); coding-DNA position 283, G replaced by C.
Protein change: p.Glu95Gln; replaces glutamic acid 95 with glutamine.
Molecular consequence: missense variant.
Genome position (GRCh38, 1-based): chr1:17,033,063, C>G on the plus strand (G>C on the coding strand, the complement: SDHB is on the minus strand). VCF-style: chr1-17033063-C-G. GRCh37 (hg19) VCF-style: chr1-17359558-C-G.
Other names: c.283G>C, p.Glu95Gln (NM_001407361.1); short protein forms E95Q.
Identifiers: ClinVar variation 2946333 (VCV002946333.3), dbSNP rs2525031348, ClinGen allele CA338276393.

ClinVar aggregate classification (germline): Uncertain significance (1 of 4 stars; one submission).

Conditions:
Pheochromocytoma. Also called: MAX-Related Hereditary Paraganglioma-Pheochromocytoma Syndrome. Identifiers: Orphanet 29072, MedGen C0031511, MONDO:0008233, OMIM 171300, HP:0002666.
Gastrointestinal stromal tumor. Also called: Gastrointestinal stromal tumor, somatic; Gastrointestinal stroma tumor. Identifiers: Orphanet 44890, MedGen C0238198, MeSH D046152, MONDO:0011719, OMIM 606764, HP:0100723.
Pheochromocytoma/paraganglioma syndrome 4. Also called: CAROTID BODY TUMORS AND MULTIPLE EXTRAADRENAL PHEOCHROMOCYTOMAS; PARAGANGLIOMA, FAMILIAL MALIGNANT; PARAGANGLIOMAS, HEREDITARY EXTRAADRENAL; PHEOCHROMOCYTOMA, FAMILIAL EXTRAADRENAL; Paragangliomas 4; SDHB-Related Hereditary Paraganglioma-Pheochromocytoma Syndrome (Paragangliomas 4). Identifiers: Orphanet 29072, MedGen C1861848, MONDO:0007273, OMIM 115310.

Submission:

Labcorp Genetics (formerly Invitae), Labcorp
Classification: Uncertain significance for Gastrointestinal stromal tumor; Pheochromocytoma/paraganglioma syndrome 4; Pheochromocytoma. Last evaluated: 2023-04-08. Review status: criteria provided, single submitter. Criteria: Invitae Variant Classification Sherloc (09022015). Collection method: clinical testing. Allele origin: germline.
Comment: In summary, the available evidence is currently insufficient to determine the role of this variant in disease. Therefore, it has been classified as a Variant of Uncertain Significance. Advanced modeling of protein sequence and biophysical properties (such as structural, functional, and spatial information, amino acid conservation, physicochemical variation, residue mobility, and thermodynamic stability) performed at Invitae indicates that this missense variant is expected to disrupt SDHB protein function. This variant has not been reported in the literature in individuals affected with SDHB-related conditions. This variant is not present in population databases (gnomAD no frequency). This sequence change replaces glutamic acid, which is acidic and polar, with glutamine, which is neutral and polar, at codon 95 of the SDHB protein (p.Glu95Gln).